The following is an entry in ClinVar:

ClinVar aggregate classification (germline): Likely benign. Review status: criteria provided, multiple submitters, no conflicts (2 of 4 stars). 2 submissions from 2 submitters: Likely benign (2). Last evaluated 2026-01-19.

Conditions:
Multiple congenital anomalies-hypotonia-seizures syndrome 3 (MCAHS3). Also called: GLYCOSYLPHOSPHATIDYLINOSITOL BIOSYNTHESIS DEFECT 7. Identifiers: Orphanet 369837, MedGen C3809356, MONDO:0014165, OMIM 615398.

Allele frequency attached by ClinVar (database versions not stated): gnomAD exomes 0.00002 and 0.00004; gnomAD 0.00003 and 0.00004; ExAC 0.00005; ESP Exome Variant Server 0.00015.
gnomAD v4.1: 36 of 1,614,032 alleles (0.0022%); highest among the groups gnomAD compares: Admixed American, 0.005%; no homozygotes.

Submissions (2):

Labcorp Genetics (formerly Invitae), Labcorp
Classification: Likely benign for Multiple congenital anomalies-hypotonia-seizures syndrome 3. Last evaluated: 2026-01-19. Review status: criteria provided, single submitter. Criteria: Invitae Variant Classification Sherloc (09022015). Collection method: clinical testing. Allele origin: germline.

CeGaT Center for Human Genetics Tuebingen
Classification: Likely benign. Last evaluated: 2022-06-01. Review status: criteria provided, single submitter. Criteria: CeGaT Center For Human Genetics Tuebingen Variant Classification Criteria Version 2. Collection method: clinical testing. Allele origin: germline. Affected: yes. Observed: 1 variant allele.
Comment: PIGT: BP4, BP7

NM_015937.6(PIGT):c.1164C>T (p.Thr388=)

Gene: PIGT (phosphatidylinositol glycan anchor biosynthesis class T; plus strand). Cytogenetic location: 20q13.12.
Variant type: single nucleotide variant.
Coding change: c.1164C>T on transcript NM_015937.6 (MANE Select); coding-DNA position 1164, C replaced by T.
Protein change: p.Thr388=; no amino-acid change (threonine 388 retained).
Molecular consequence: synonymous variant. On other transcripts: non-coding transcript variant (5), intron variant (1).
Genome position (GRCh38, 1-based): chr20:45,421,513, C>T. VCF-style: chr20-45421513-C-T. GRCh37 (hg19) VCF-style: chr20-44050153-C-T.
Other names: c.996C>T, p.Thr332= (NM_001184728.3); c.858C>T, p.Thr286= (NM_001184730.3); c.1033+820C>T (NM_001184729.3).
Identifiers: ClinVar variation 1587966 (VCV001587966.32), dbSNP rs147511743, ClinGen allele CA9878178.